The following is an entry in ClinVar:

NM_001267550.2(TTN):c.2841+5G>A

Gene: TTN (titin; minus strand). Cytogenetic location: 2q31.2.
Variant type: single nucleotide variant.
Coding change: c.2841+5G>A on transcript NM_001267550.2 (MANE Select); 5 bases into the intron after coding-DNA position 2841, G replaced by A.
Molecular consequence: intron variant.
Genome position (GRCh38, 1-based): chr2:178,783,715, C>T on the plus strand (G>A on the coding strand, the complement: TTN is on the minus strand). VCF-style: chr2-178783715-C-T. GRCh37 (hg19) VCF-style: chr2-179648442-C-T.
Other names: c.2703+5G>A (NM_003319.4, NM_133437.4, NM_133432.3); c.2841+5G>A (NM_133378.4, NM_001256850.1, NM_133379.5).
Identifiers: ClinVar variation 4281950 (VCV004281950.1).

ClinVar aggregate classification (germline): Uncertain significance (1 of 4 stars; one submission).

Submission:

GeneDx
Classification: Uncertain significance. Last evaluated: 2025-04-10. Review status: criteria provided, single submitter. Criteria: GeneDx Variant Classification Process June 2021. Collection method: clinical testing. Allele origin: germline. Affected: yes.
Comment: Not observed at significant frequency in large population cohorts (gnomAD); In silico analysis supports a deleterious effect on splicing; Has not been previously published as pathogenic or benign to our knowledge